The following is an entry in ClinVar:

NM_000536.4(RAG2):c.104G>C (p.Gly35Ala)

Gene: RAG2 (recombination activating 2; minus strand). Cytogenetic location: 11p12.
Variant type: single nucleotide variant.
Coding change: c.104G>C on transcript NM_000536.4 (MANE Select); coding-DNA position 104, G replaced by C.
Protein change: p.Gly35Ala; replaces glycine 35 with alanine.
Molecular consequence: missense variant.
Genome position (GRCh38, 1-based): chr11:36,594,065, C>G on the plus strand (G>C on the coding strand, the complement: RAG2 is on the minus strand). VCF-style: chr11-36594065-C-G. GRCh37 (hg19) VCF-style: chr11-36615615-C-G.
Other names: NM_000536.4(RAG2):c.104G>C; c.104G>C, p.Gly35Ala (NM_001243785.2, NM_001243786.2); short protein forms G35A.
Identifiers: ClinVar variation 36716 (VCV000036716.21), dbSNP rs148508754, ClinGen allele CA214209.
Genomic context (GRCh38, chr11:36,594,065, plus strand): 5'-ACATGGTTATGCTTTACATCCAGATGGAAAACTCCAGTGGGGCAGGATCTTTTGGGCCAG[C>G]CTTTTTGTCCAAAGAAGAAAACTTGTCCATCAAAATTCATCAGTGAGAAGCCTGGCTGAA-3'
Protein context (NP_000527.2, residues 25-45): DGQVFFFGQK[Gly35Ala]WPKRSCPTGV

ClinVar aggregate classification (germline): Pathogenic. Review status: reviewed by expert panel (3 of 4 stars). 11 submissions from 11 submitters: Pathogenic (1). 10 of the submissions do not count toward it. Last evaluated 2024-05-13.

Conditions:
Combined immunodeficiency with skin granulomas. Identifiers: Orphanet 157949, MedGen C2673536, MONDO:0009306, OMIM 233650.
Severe combined immunodeficiency, autosomal recessive, T cell-negative, B cell-negative, NK cell-positive. Also called: Severe combined immunodeficiency due to complete RAG1/2 deficiency; SCID, T CELL-NEGATIVE, B CELL-NEGATIVE, NK CELL-POSITIVE; SCID, AR, T-cell negative, B-cell negative, NK cell-positive. Identifiers: Orphanet 331206, MedGen C1832322, MONDO:0011086, OMIM 601457.
Severe combined immunodeficiency disease. Also called: Severe combined immunodeficiency; Severe Combined Immune Deficiency. Identifiers: Orphanet 183660, MedGen C0085110, MeSH D016511, MONDO:0015974, HP:0004430. Inheritance: X-Linked or Autosomal recessive.
Histiocytic medullary reticulosis. Also called: Omenn syndrome; SEVERE COMBINED IMMUNODEFICIENCY WITH HYPEREOSINOPHILIA. Identifiers: Orphanet 39041, MedGen C2700553, MONDO:0011338, OMIM 603554.
RAG2-related disorder. Also called: RAG2-related condition.
Recombinase activating gene 2 deficiency. Also called: RAG2 deficiency. Identifiers: MedGen CN257931, MONDO:0000573.
Inborn error of immunity. Also called: Primary immunodeficiency; Inborn errors of immunity. Identifiers: Orphanet 101997, MedGen C0398686, MONDO:0003778.
Atypical severe combined immunodeficiency due to complete RAG1/2 deficiency.

Allele frequency attached by ClinVar (database versions not stated): ExAC 0.00001; TOPMed 0.00003; ESP Exome Variant Server 0.00008.
gnomAD v4.1: 29 of 1,613,912 alleles (0.0018%); highest among the groups gnomAD compares: East Asian, 0.0022%; no homozygotes.

Submissions 1 to 4 of 11:

ClinGen Severe Combined Immunodeficiency Variant Curation Expert Panel, ClinGen
Classification: Pathogenic for Recombinase activating gene 2 deficiency. Last evaluated: 2024-05-13. Review status: reviewed by expert panel. Criteria: ClinGen SCID ACMG Specifications RAG2 V1.0.0. Collection method: curation. Allele origin: germline. Inheritance: Autosomal recessive inheritance.
Comment: The c.104G>C (NM_000536.4) variant in RAG2 is a missense variant predicted to cause the substitution of Glycine by Alanine at amino acid 35 (p.Gly35Ala). The filtering allele frequency (the upper threshold of the 95% CI of 23/1179974 alleles) of the c.104G>C variant in RAG2 is 0.00001295 for European (non-Finnish) chromosomes by gnomAD v4, which is lower than the ClinGen SCID VCEP threshold (<0.0000588) for PM2_Supporting, and therefore meets this criterion (PM2_Supporting). This variant is located in the core domain, amino acids 1-383 of RAG2, which is defined as a critical functional domain by the ClinGen SCID VCEP (PMID: 26996199); PM1_Supporting. The recombination activity assay showed activity of this variant compared to wildtype RAG2 is 22.1% (SEM 3.1), which is lower than the SCID VCEP threshold (<25%) for PS3_Moderate, meeting this criterion (PS3_Moderate, PMID 29772310). This variant has been detected in at least 5 individuals with SCID/Leaky SCID/Omenn syndrome in the literature. Of those individuals, one (Proband 35, PMID: 30778343) is compound heterozygous for p.K58STer73, which is at least LP according to our specifications. Mother and Father are carriers; the trans phase is confirmed. 1 point. Another proband (Proband 9, PMID: 29772310) is a compound heterozygous with E437K, classified as Likely Pathogenic according to SCID VCEP. This patient is being evaluated in the p.Glu437Lys variant curation, so it will not be counted here to avoid circularity. Additionally, 3 individuals were homozygous for the variant (probands 6, 7, and 8, PMID: 29772310), reaching the maximum of 1 point for homozygous occurrence; The total is 2 points, PM3_Strong. At least one patient present: * Diagnostic criteria for SCID/Leaky SCID/Omenn syndrome met 0.5 pts + * Decreased presence of TCRVα7.2 in CD3+ T lymphocytes 0.5 points. The total is 1 point, and then PP4 is met (PMID: 29772310). Another missense variant [NM_000536.4(RAG2):c.104G>T (p.Gly35Val)] in the same codon has been reported. The variant was classified as Likely Pathogenic by the ClinGen SCID VCEP (PM5_Supporting). In summary, this variant meets the criteria to be classified as Pathogenic for autosomal recessive recombinase activating gene 2 deficiency based on the ACMG/AMP criteria applied, as specified by the ClinGen SCID VCEP: PM2_Supporting, PM1_Supporting, PS3_Moderate, PM3_Strong, PP4, PM5_Supporting (VCEP specifications version 1).

Labcorp Genetics (formerly Invitae), Labcorp
Classification: Pathogenic for Combined immunodeficiency with skin granulomas; Severe combined immunodeficiency, autosomal recessive, T cell-negative, B cell-negative, NK cell-positive. Last evaluated: 2025-12-30. Review status: criteria provided, single submitter. Criteria: Invitae Variant Classification Sherloc (09022015). Collection method: clinical testing. Allele origin: germline. Not counted in ClinVar's aggregate classification.
Comment: This sequence change replaces glycine, which is neutral and non-polar, with alanine, which is neutral and non-polar, at codon 35 of the RAG2 protein (p.Gly35Ala). This variant is present in population databases (rs148508754, gnomAD 0.003%). This missense change has been observed in individual(s) with severe combined immunodeficiency, combined immunodeficiency, hyper IgM syndrome and recurrent infections (PMID: 24174341, 26457731, 28769923, 29051008, 29772310, 30778343). In at least one individual the data is consistent with being in trans (on the opposite chromosome) from a pathogenic variant. ClinVar contains an entry for this variant (Variation ID: 36716). Invitae Evidence Modeling of protein sequence and biophysical properties (such as structural, functional, and spatial information, amino acid conservation, physicochemical variation, residue mobility, and thermodynamic stability) indicates that this missense variant is expected to disrupt RAG2 protein function with a positive predictive value of 95%. Experimental studies have shown that this missense change affects RAG2 function (PMID: 29772310, 31388879). This variant disrupts the p.Gly35 amino acid residue in RAG2. Other variant(s) that disrupt this residue have been determined to be pathogenic (PMID: 15025726, 30307608). This suggests that this residue is clinically significant, and that variants that disrupt this residue are likely to be disease-causing. For these reasons, this variant has been classified as Pathogenic.

Genomic Medicine Center of Excellence, King Faisal Specialist Hospital and Research Centre
Classification: Pathogenic for Severe combined immunodeficiency, autosomal recessive, T cell-negative, B cell-negative, NK cell-positive. Last evaluated: 2025-09-10. Review status: criteria provided, single submitter. Criteria: ACMG Guidelines, 2015. Collection method: clinical testing. Allele origin: germline. Not counted in ClinVar's aggregate classification.

Natera, Inc.
Classification: Pathogenic for Omenn syndrome. Last evaluated: 2025-07-25. Review status: criteria provided, single submitter. Criteria: Natera Variant Classification Schema (03/2026). Collection method: clinical testing. Allele origin: germline. Not counted in ClinVar's aggregate classification.
Comment: The c.104G>C variant in RAG2 is a missense variant predicted to cause substitution of glycine to alanine at amino acid 35. This variant is rare in the general population with a frequency below the threshold expected for the associated phenotype(s). This variant has been observed in one or more individuals affected with the associated recessive disease, as either homozygous or compound heterozygous with a second variant (PMID: 30778343, 29051008). A different variant at the same position has been determined to be Pathogenic or Likely Pathogenic. Computational prediction algorithms indicate this variant is likely to affect gene or protein function. Given the available evidence, this variant is classified as Pathogenic.